The following is an entry in ClinVar:

ClinVar aggregate classification (germline): Likely benign (1 of 4 stars; one submission).

Conditions:
Wilson disease (WND). Also called: Wilson's disease. Identifiers: Orphanet 905, MedGen C0019202, MONDO:0010200, OMIM 277900. Disease mechanism: loss of function.

Submission:

All of Us Research Program, National Institutes of Health
Classification: Likely benign for Wilson disease. Last evaluated: 2023-04-28. Review status: criteria provided, single submitter. Criteria: ACMG Guidelines, 2015. Collection method: clinical testing. Allele origin: germline. Inheritance: Autosomal recessive inheritance. Observed: 1 variant allele, 1 heterozygote.
Comment: This study involves interpretation of variants in research participants for the purpose of population health screening. Participant phenotype was not available at the time of variant classification. Additional details can be found in publication PMID: 35346344, PMCID: PMC8962531

NM_000053.4(ATP7B):c.819G>A (p.Leu273=)

Gene: ATP7B (ATPase copper transporting beta; minus strand). Cytogenetic location: 13q14.3.
Variant type: single nucleotide variant.
Coding change: c.819G>A on transcript NM_000053.4 (MANE Select); coding-DNA position 819, G replaced by A.
Protein change: p.Leu273=; no amino-acid change (leucine 273 retained).
Molecular consequence: synonymous variant. On other transcripts: intron variant (2).
Genome position (GRCh38, 1-based): chr13:51,974,401, C>T on the plus strand (G>A on the coding strand, the complement: ATP7B is on the minus strand). VCF-style: chr13-51974401-C-T. GRCh37 (hg19) VCF-style: chr13-52548537-C-T.
Other names: c.819G>A, p.Leu273= (NM_001406541.1, NM_001406542.1, NM_001406545.1 and 29 more transcripts); c.723G>A, p.Leu241= (NM_001406543.1, NM_001406544.1, NM_001406517.1 and 3 more transcripts); c.802+17G>A (NM_001243182.2); c.706+17G>A (NM_001406539.1).
Identifiers: ClinVar variation 3070559 (VCV003070559.1), dbSNP rs2547818307, ClinGen allele CA484024934.